The following is an entry in ClinVar:

ClinVar aggregate classification (germline): Uncertain significance. Review status: criteria provided, multiple submitters, no conflicts (2 of 4 stars). 3 submissions from 3 submitters: Uncertain significance (2). 1 of the submissions does not count toward it. Last evaluated 2024-12-18.

Conditions:
Autosomal recessive retinitis pigmentosa. Identifiers: MedGen C0339526.

Allele frequency attached by ClinVar (database versions not stated): gnomAD exomes 0.00003 and 0.00010; TOPMed 0.00004.
gnomAD v4.1: 15 of 1,551,554 alleles (0.00097%); highest among the groups gnomAD compares: Admixed American, 0.029%; no homozygotes.

Submissions (3):

Labcorp Genetics (formerly Invitae), Labcorp
Classification: Uncertain significance. Last evaluated: 2024-12-18. Review status: criteria provided, single submitter. Criteria: Invitae Variant Classification Sherloc (09022015). Collection method: clinical testing. Allele origin: germline.
Comment: This sequence change falls in intron 39 of the EYS gene. It does not directly change the encoded amino acid sequence of the EYS protein. It affects a nucleotide within the consensus splice site. This variant is present in population databases (no rsID available, gnomAD 0.06%). This variant has not been reported in the literature in individuals affected with EYS-related conditions. ClinVar contains an entry for this variant (Variation ID: 966184). Variants that disrupt the consensus splice site are a relatively common cause of aberrant splicing (PMID: 17576681, 9536098). Algorithms developed to predict the effect of sequence changes on RNA splicing suggest that this variant may disrupt the consensus splice site. In summary, the available evidence is currently insufficient to determine the role of this variant in disease. Therefore, it has been classified as a Variant of Uncertain Significance.

Blueprint Genetics
Classification: Uncertain significance. Last evaluated: 2021-09-18. Review status: criteria provided, single submitter. Criteria: ACMG Guidelines, 2015. Collection method: clinical testing. Allele origin: germline.

Natera, Inc.
Classification: Uncertain significance for Autosomal recessive retinitis pigmentosa. Last evaluated: 2020-08-15. Review status: no assertion criteria provided. Collection method: clinical testing. Allele origin: germline. Not counted in ClinVar's aggregate classification.

Literature cited by the submitters: PubMed 17576681 (cited by Labcorp Genetics (formerly Invitae), Labcorp); PubMed 9536098 (cited by Labcorp Genetics (formerly Invitae), Labcorp).

NM_001142800.2(EYS):c.7724-3A>G

Gene: EYS (EGF-like photoreceptor maintenance factor; minus strand). Cytogenetic location: 6q12.
Variant type: single nucleotide variant.
Coding change: c.7724-3A>G on transcript NM_001142800.2 (MANE Select); 3 bases into the intron before coding-DNA position 7724, A replaced by G.
Molecular consequence: intron variant.
Genome position (GRCh38, 1-based): chr6:63,778,183, T>C on the plus strand (A>G on the coding strand, the complement: EYS is on the minus strand). VCF-style: chr6-63778183-T-C. GRCh37 (hg19) VCF-style: chr6-64488076-T-C.
Other names: c.7724-3A>G (NM_001292009.2).
Identifiers: ClinVar variation 966184 (VCV000966184.7), dbSNP rs1407901884, ClinGen allele CA450758248.